The following is an entry in ClinVar:

NM_001281747.2(MLIP):c.329C>T (p.Ser110Leu)

Genes: MLIP (muscular LMNA interacting protein; plus strand), LOC126859697 (CDK7 strongly-dependent group 2 enhancer GRCh37_chr6:53989184-53990383; plus strand). Cytogenetic location: 6p12.1.
Variant type: single nucleotide variant.
Coding change: c.329C>T on transcript NM_001281747.2 (MANE Select); coding-DNA position 329, C replaced by T.
Protein change: p.Ser110Leu; replaces serine 110 with leucine.
Molecular consequence: missense variant.
Genome position (GRCh38, 1-based): chr6:54,124,549, C>T. VCF-style: chr6-54124549-C-T. GRCh37 (hg19) VCF-style: chr6-53989347-C-T.
Other names: c.296C>T, p.Ser99Leu (NM_001281746.2, NM_138569.3); short protein forms S99L, S110L.
Identifiers: ClinVar variation 2592594 (VCV002592594.10), dbSNP rs150437140, ClinGen allele CA3861565.

ClinVar aggregate classification (germline): Uncertain significance. Review status: criteria provided, multiple submitters, no conflicts (2 of 4 stars). 2 submissions from 2 submitters: Uncertain significance (2). Last evaluated 2025-08-01.

Conditions:
Inborn genetic diseases. Identifiers: MedGen C0950123, MeSH D030342.

Allele frequency attached by ClinVar (database versions not stated): TOPMed 0.00004; ESP Exome Variant Server 0.00008; gnomAD exomes 0.00017; gnomAD 0.00031; ExAC 0.00040.
gnomAD v4.1: 293 of 1,614,176 alleles (0.018%); highest among the groups gnomAD compares: Middle Eastern, 0.033%; no homozygotes.

Submissions (2):

CeGaT Center for Human Genetics Tuebingen
Classification: Uncertain significance. Last evaluated: 2025-08-01. Review status: criteria provided, single submitter. Criteria: CeGaT Center For Human Genetics Tuebingen Variant Classification Criteria Version 2. Collection method: clinical testing. Allele origin: germline. Affected: yes. Observed: 1 variant allele.
Comment: MLIP: PM2, BP4

Ambry Genetics
Classification: Uncertain significance for Inborn genetic diseases. Last evaluated: 2023-07-05. Review status: criteria provided, single submitter. Criteria: Ambry Variant Classification Scheme 2023. Collection method: clinical testing. Allele origin: germline.